The following is an entry in ClinVar:

NM_002240.5(KCNJ6):c.1125C>G (p.Ser375Arg)

Genes: KCNJ6 (potassium inwardly rectifying channel subfamily J member 6; minus strand), KCNJ6-AS1 (KCNJ6 antisense RNA 1; plus strand). Cytogenetic location: 21q22.13.
Variant type: single nucleotide variant.
Coding change: c.1125C>G on transcript NM_002240.5 (MANE Select); coding-DNA position 1125, C replaced by G.
Protein change: p.Ser375Arg; replaces serine 375 with arginine.
Molecular consequence: missense variant.
Genome position (GRCh38, 1-based): chr21:37,625,306, G>C on the plus strand (C>G on the coding strand, the complement: KCNJ6 is on the minus strand). VCF-style: chr21-37625306-G-C. GRCh37 (hg19) VCF-style: chr21-38997608-G-C.
Other names: short protein forms S375R.
Identifiers: ClinVar variation 2846308 (VCV002846308.3), dbSNP rs2518150223, ClinGen allele CA409967172.

ClinVar aggregate classification (germline): Uncertain significance (1 of 4 stars; one submission).

Submission:

Labcorp Genetics (formerly Invitae), Labcorp
Classification: Uncertain significance. Last evaluated: 2023-07-22. Review status: criteria provided, single submitter. Criteria: Invitae Variant Classification Sherloc (09022015). Collection method: clinical testing. Allele origin: germline.
Comment: In summary, the available evidence is currently insufficient to determine the role of this variant in disease. Therefore, it has been classified as a Variant of Uncertain Significance. An algorithm developed to predict the effect of missense changes on protein structure and function (PolyPhen-2) suggests that this variant is likely to be tolerated. This variant has not been reported in the literature in individuals affected with KCNJ6-related conditions. This variant is not present in population databases (gnomAD no frequency). This sequence change replaces serine, which is neutral and polar, with arginine, which is basic and polar, at codon 375 of the KCNJ6 protein (p.Ser375Arg).